The following is an entry in ClinVar:

ClinVar aggregate classification (germline): Benign/Likely benign. Review status: criteria provided, multiple submitters, no conflicts (2 of 4 stars). 4 submissions from 4 submitters: Benign (3); Likely benign (1). Last evaluated 2025-12-09.

Conditions:
Erythrocytosis, familial, 4 (ECYT4). Identifiers: Orphanet 247511, MedGen C2673187, MONDO:0012729, OMIM 611783.

Allele frequency attached by ClinVar (database versions not stated): TOPMed 0.00380; gnomAD exomes 0.00028 and 0.00086; 1000 Genomes Project 0.00359; ExAC 0.00103; ESP Exome Variant Server 0.00446; gnomAD 0.00317 and 0.00336; 1000 Genomes Project 30x 0.00344.
gnomAD v4.1: 911 of 1,614,018 alleles (0.056%); highest among the groups gnomAD compares: African/African-American, 1.1%; 7 homozygotes.

Submissions (4):

Labcorp Genetics (formerly Invitae), Labcorp
Classification: Benign. Last evaluated: 2025-12-09. Review status: criteria provided, single submitter. Criteria: Invitae Variant Classification Sherloc (09022015). Collection method: clinical testing. Allele origin: germline.

ARUP Laboratories, Molecular Genetics and Genomics, ARUP Laboratories
Classification: Benign for Erythrocytosis, familial, 4. Last evaluated: 2025-03-26. Review status: criteria provided, single submitter. Criteria: ARUP Molecular Germline Variant Investigation Process 2024. Collection method: clinical testing. Allele origin: germline.

Center for Genomic Medicine, Rigshospitalet, Copenhagen University Hospital
Classification: Likely benign. Last evaluated: 2025-03-04. Review status: criteria provided, single submitter. Criteria: ACMG Guidelines, 2015. Collection method: clinical testing. Allele origin: germline.

Illumina Laboratory Services, Illumina
Classification: Benign for Erythrocytosis, familial, 4. Last evaluated: 2018-01-13. Review status: criteria provided, single submitter. Criteria: ICSL Variant Classification Criteria 13 December 2019. Collection method: clinical testing. Allele origin: germline.
Comment: This variant was observed in the ICSL laboratory as part of a predisposition screen in an ostensibly healthy population. It had not been previously curated by ICSL or reported in the Human Gene Mutation Database (HGMD: prior to June 1st, 2018), and was therefore a candidate for classification through an automated scoring system. Utilizing variant allele frequency, disease prevalence and penetrance estimates, and inheritance mode, an automated score was calculated to assess if this variant is too frequent to cause the disease. Based on the score and internal cut-off values, a variant classified as benign is not then subjected to further curation. The score for this variant resulted in a classification of benign for this disease.

NM_001430.5(EPAS1):c.574-11G>A

Genes: EPAS1 (endothelial PAS domain protein 1; plus strand), LOC126806210 (BRD4-independent group 4 enhancer GRCh37_chr2:46587586-46588785; plus strand). Cytogenetic location: 2p21.
Variant type: single nucleotide variant.
Coding change: c.574-11G>A on transcript NM_001430.5 (MANE Select); 11 bases into the intron before coding-DNA position 574, G replaced by A.
Molecular consequence: intron variant.
Genome position (GRCh38, 1-based): chr2:46,360,874, G>A. VCF-style: chr2-46360874-G-A. GRCh37 (hg19) VCF-style: chr2-46588013-G-A.
Identifiers: ClinVar variation 336248 (VCV000336248.11), dbSNP rs199730851, ClinGen allele CA1644704.
Genomic context (GRCh38, chr2:46,360,874, plus strand): 5'-GGATGCCTAAGGCCCTACCCCCACCCCCAGCACTCTCGGCTCCATGTCTGACCCTTCCAC[G>A]CCTGTCTCAGGTCTTGCACTGCACGGGCCAGGTGAAAGTCTACAACAACTGCCCTCCTCA-3'